The following is an entry in ClinVar:

NM_004260.4(RECQL4):c.2579C>T (p.Pro860Leu)

Gene: RECQL4 (RecQ like helicase 4; minus strand). Cytogenetic location: 8q24.3.
Variant type: single nucleotide variant.
Coding change: c.2579C>T on transcript NM_004260.4 (MANE Select); coding-DNA position 2579, C replaced by T.
Protein change: p.Pro860Leu; replaces proline 860 with leucine.
Molecular consequence: missense variant.
Genome position (GRCh38, 1-based): chr8:144,513,023, G>A on the plus strand (C>T on the coding strand, the complement: RECQL4 is on the minus strand). VCF-style: chr8-144513023-G-A. GRCh37 (hg19) VCF-style: chr8-145738406-G-A.
Other names: short protein forms P860L.
Identifiers: ClinVar variation 566586 (VCV000566586.7), dbSNP rs774850992, ClinGen allele CA4948181.

ClinVar aggregate classification (germline): Uncertain significance (1 of 4 stars; one submission).

Conditions:
Baller-Gerold syndrome (BGS). Also called: CRANIOSYNOSTOSIS WITH RADIAL DEFECTS. Identifiers: Orphanet 1225, MedGen C0265308, MONDO:0009039, OMIM 218600.

Allele frequency attached by ClinVar (database versions not stated): gnomAD 0.00001; TOPMed 0.00001; gnomAD exomes 0.00002; ExAC 0.00003.
gnomAD v4.1: 9 of 1,573,090 alleles (0.00057%); highest among the groups gnomAD compares: Admixed American, 0.0056%; no homozygotes.

Submission:

Labcorp Genetics (formerly Invitae), Labcorp
Classification: Uncertain significance for Baller-Gerold syndrome. Last evaluated: 2025-07-30. Review status: criteria provided, single submitter. Criteria: Invitae Variant Classification Sherloc (09022015). Collection method: clinical testing. Allele origin: germline.
Comment: This sequence change replaces proline, which is neutral and non-polar, with leucine, which is neutral and non-polar, at codon 860 of the RECQL4 protein (p.Pro860Leu). The frequency data for this variant in the population databases is considered unreliable, as metrics indicate poor data quality at this position in the gnomAD database. This variant has not been reported in the literature in individuals affected with RECQL4-related conditions. ClinVar contains an entry for this variant (Variation ID: 566586). Invitae Evidence Modeling of protein sequence and biophysical properties (such as structural, functional, and spatial information, amino acid conservation, physicochemical variation, residue mobility, and thermodynamic stability) indicates that this missense variant is not expected to disrupt RECQL4 protein function with a negative predictive value of 80%. In summary, the available evidence is currently insufficient to determine the role of this variant in disease. Therefore, it has been classified as a Variant of Uncertain Significance.